The following is an entry in ClinVar:

NM_058195.4(CDKN2A):c.14T>A (p.Phe5Tyr)

Gene: CDKN2A (cyclin dependent kinase inhibitor 2A; minus strand). Cytogenetic location: 9p21.3.
Variant type: single nucleotide variant.
Coding change: c.14T>A on transcript NM_058195.4 (MANE Plus Clinical); coding-DNA position 14, T replaced by A.
Protein change: p.Phe5Tyr; replaces phenylalanine 5 with tyrosine.
Molecular consequence: missense variant. On other transcripts: intron variant (1).
Genome position (GRCh38, 1-based): chr9:21,994,318, A>T on the plus strand (T>A on the coding strand, the complement: CDKN2A is on the minus strand). VCF-style: chr9-21994318-A-T. GRCh37 (hg19) VCF-style: chr9-21994317-A-T.
Other names: c.-4+503T>A (NM_001363763.2); short protein forms F5Y.
Identifiers: ClinVar variation 1436758 (VCV001436758.7), dbSNP rs2131149044, ClinGen allele CA373087112.

ClinVar aggregate classification (germline): Uncertain significance. Review status: criteria provided, multiple submitters, no conflicts (2 of 4 stars). 2 submissions from 2 submitters: Uncertain significance (2). Last evaluated 2023-03-02.

Conditions:
Familial melanoma. Also called: Hereditary melanoma; Hereditary cutaneous melanoma. Identifiers: Orphanet 618, MedGen C1512419, MONDO:0018961.
Hereditary cancer-predisposing syndrome. Also called: Tumor predisposition; Neoplastic Syndromes, Hereditary; Hereditary Cancer Syndrome; Hereditary neoplastic syndrome. Identifiers: Orphanet 140162, MedGen C0027672, MeSH D009386, MONDO:0015356.

Submissions (2):

Ambry Genetics
Classification: Uncertain significance for Hereditary cancer-predisposing syndrome. Last evaluated: 2023-03-02. Review status: criteria provided, single submitter. Criteria: Ambry Variant Classification Scheme 2023. Collection method: clinical testing. Allele origin: germline.
Comment: The p.F5Y variant (also known as c.14T>A), located in coding exon 1 of the CDKN2A (p14ARF) gene, results from a T to A substitution at nucleotide position 14. The phenylalanine at codon 5 is replaced by tyrosine, an amino acid with highly similar properties. This amino acid position is well conserved in available vertebrate species. In addition, the in silico prediction for this alteration is inconclusive. Since supporting evidence is limited at this time, the clinical significance of this alteration remains unclear.

Labcorp Genetics (formerly Invitae), Labcorp
Classification: Uncertain significance for Familial melanoma. Last evaluated: 2021-09-17. Review status: criteria provided, single submitter. Criteria: Invitae Variant Classification Sherloc (09022015). Collection method: clinical testing. Allele origin: germline.